The following is an entry in ClinVar:

NM_015100.4(POGZ):c.595A>G (p.Thr199Ala)

Gene: POGZ (pogo transposable element derived with ZNF domain; minus strand). Cytogenetic location: 1q21.3.
Variant type: single nucleotide variant.
Coding change: c.595A>G on transcript NM_015100.4 (MANE Select); coding-DNA position 595, A replaced by G.
Protein change: p.Thr199Ala; replaces threonine 199 with alanine.
Molecular consequence: missense variant.
Genome position (GRCh38, 1-based): chr1:151,428,387, T>C on the plus strand (A>G on the coding strand, the complement: POGZ is on the minus strand). VCF-style: chr1-151428387-T-C. GRCh37 (hg19) VCF-style: chr1-151400863-T-C.
Other names: c.595A>G, p.Thr199Ala (NM_001194937.2); c.436A>G, p.Thr146Ala (NM_001194938.2, NM_207171.2); c.616A>G, p.Thr206Ala (NM_001410860.1); c.310A>G, p.Thr104Ala (NM_145796.4); short protein forms T206A, T146A, T104A, T199A.
Identifiers: ClinVar variation 2068195 (VCV002068195.4), dbSNP rs1029784776, ClinGen allele CA341978584.

ClinVar aggregate classification (germline): Uncertain significance (1 of 4 stars; one submission).

Submission:

Labcorp Genetics (formerly Invitae), Labcorp
Classification: Uncertain significance. Last evaluated: 2022-01-01. Review status: criteria provided, single submitter. Criteria: Invitae Variant Classification Sherloc (09022015). Collection method: clinical testing. Allele origin: germline.
Comment: In summary, the available evidence is currently insufficient to determine the role of this variant in disease. Therefore, it has been classified as a Variant of Uncertain Significance. Algorithms developed to predict the effect of missense changes on protein structure and function (SIFT, PolyPhen-2, Align-GVGD) all suggest that this variant is likely to be tolerated. This variant has not been reported in the literature in individuals affected with POGZ-related conditions. This variant is not present in population databases (gnomAD no frequency). This sequence change replaces threonine, which is neutral and polar, with alanine, which is neutral and non-polar, at codon 199 of the POGZ protein (p.Thr199Ala).